The following is an entry in ClinVar:

ClinVar aggregate classification (germline): Uncertain significance (1 of 4 stars; one submission).

Submission:

Labcorp Genetics (formerly Invitae), Labcorp
Classification: Uncertain significance. Last evaluated: 2023-08-27. Review status: criteria provided, single submitter. Criteria: Invitae Variant Classification Sherloc (09022015). Collection method: clinical testing. Allele origin: germline.
Comment: This sequence change replaces isoleucine, which is neutral and non-polar, with methionine, which is neutral and non-polar, at codon 792 of the CTNNA1 protein (p.Ile792Met). In summary, the available evidence is currently insufficient to determine the role of this variant in disease. Therefore, it has been classified as a Variant of Uncertain Significance. An algorithm developed to predict the effect of missense changes on protein structure and function (PolyPhen-2) suggests that this variant is likely to be disruptive. This variant has not been reported in the literature in individuals affected with CTNNA1-related conditions. This variant is not present in population databases (gnomAD no frequency).

NM_001903.5(CTNNA1):c.2376C>G (p.Ile792Met)

Gene: CTNNA1 (catenin alpha 1; plus strand). Cytogenetic location: 5q31.2.
Variant type: single nucleotide variant.
Coding change: c.2376C>G on transcript NM_001903.5 (MANE Select); coding-DNA position 2376, C replaced by G.
Protein change: p.Ile792Met; replaces isoleucine 792 with methionine.
Molecular consequence: missense variant. On other transcripts: intron variant (1).
Genome position (GRCh38, 1-based): chr5:138,932,655, C>G. VCF-style: chr5-138932655-C-G. GRCh37 (hg19) VCF-style: chr5-138268344-C-G.
Other names: c.2376C>G, p.Ile792Met (NM_001323985.2, NM_001290307.3, NM_001323982.2 and 2 more transcripts); c.2283C>G, p.Ile761Met (NM_001323986.2); c.1266C>G, p.Ile422Met (NM_001323987.1, NM_001323988.1, NM_001323989.1 and 16 more transcripts); c.927C>G, p.Ile309Met (NM_001324006.1, NM_001324007.1, NM_001324008.1 and 2 more transcripts); c.1173C>G, p.Ile391Met (NM_001324011.1); c.1023C>G, p.Ile341Met (NM_001324012.1, NM_001324013.1); c.1189-1147C>G (NM_001324001.1); c.2067C>G, p.Ile689Met (NM_001290309.3); and 1 more; short protein forms I792M, I669M, I761M, I689M, I309M, I341M, I391M, I422M.
Identifiers: ClinVar variation 2755419 (VCV002755419.3), dbSNP rs2533913532, ClinGen allele CA361134444.
Genomic context (GRCh38, chr5:138,932,655, plus strand): 5'-CAAGCAGGACCTGCTGGCCTACCTGCAACGCATCGCCCTCTACTGCCACCAGCTGAACAT[C>G]TGCAGCAAGGTCAAGGCCGAGGTGCAGAATCTCGGCGGGGAGCTTGTTGTCTCTGGGGTA-3'
Protein context (NP_001894.2, residues 782-802): RIALYCHQLN[Ile792Met]CSKVKAEVQN